The following is an entry in ClinVar:

NM_000492.4(CFTR):c.1163C>A (p.Thr388Lys)

Gene: CFTR (CF transmembrane conductance regulator; plus strand). Cytogenetic location: 7q31.2.
Variant type: single nucleotide variant.
Coding change: c.1163C>A on transcript NM_000492.4 (MANE Select); coding-DNA position 1163, C replaced by A.
Protein change: p.Thr388Lys; replaces threonine 388 with lysine.
Molecular consequence: missense variant.
Genome position (GRCh38, 1-based): chr7:117,542,062, C>A. VCF-style: chr7-117542062-C-A. GRCh37 (hg19) VCF-style: chr7-117182116-C-A.
Other names: short protein forms T388K.
Identifiers: ClinVar variation 1723356 (VCV001723356.1), dbSNP rs143860237, ClinGen allele CA368980067.

ClinVar aggregate classification (germline): Uncertain significance (1 of 4 stars; one submission).

Submission:

Women's Health and Genetics/Laboratory Corporation of America, LabCorp
Classification: Uncertain significance. Last evaluated: 2022-10-20. Review status: criteria provided, single submitter. Criteria: LabCorp Variant Classification Summary - May 2015. Collection method: clinical testing. Allele origin: germline.
Comment: Variant summary: CFTR c.1163C>A (p.Thr388Lys) results in a non-conservative amino acid change located in the ATP-binding cassette domain 1 (IPR047082) of the encoded protein sequence. Four of five in-silico tools predict a damaging effect of the variant on protein function. The variant was absent in 250946 control chromosomes (gnomAD). The available data on variant occurrences in the general population are insufficient to allow any conclusion about variant significance. c.1163C>A has been reported in the literature as a heterozygous genotype in an individual affected with Congenital Bilateral Absence of the Vas Deferens (e.g. Li_2012). This report does not provide unequivocal conclusions about association of the variant with Congenital Bilateral Absence of the Vas Deferens or other CFTR-related disorders. To our knowledge, no experimental evidence demonstrating an impact on protein function has been reported. No clinical diagnostic laboratories have submitted clinical-significance assessments for this variant to ClinVar after 2014. Based on the evidence outlined above, the variant was classified as uncertain significance.

Literature cited by the submitters: PubMed 22483971.